The following is an entry in ClinVar:

ClinVar aggregate classification (germline): Uncertain significance (1 of 4 stars; one submission).

Submission:

GeneDx
Classification: Uncertain significance. Last evaluated: 2026-02-28. Review status: criteria provided, single submitter. Criteria: GeneDx Variant Classification Process June 2021. Collection method: clinical testing. Allele origin: germline.
Comment: Not observed at significant frequency in large population cohorts (gnomAD); In silico analysis suggests that this missense variant does not alter protein structure/function; Has not been previously published as pathogenic or benign to our knowledge

NM_000808.4(GABRA3):c.218G>A (p.Arg73His)

Gene: GABRA3 (gamma-aminobutyric acid type A receptor subunit alpha3; minus strand). Cytogenetic location: Xq28.
Variant type: single nucleotide variant.
Coding change: c.218G>A on transcript NM_000808.4 (MANE Select); coding-DNA position 218, G replaced by A.
Protein change: p.Arg73His; replaces arginine 73 with histidine.
Molecular consequence: missense variant.
Genome position (GRCh38, 1-based): chrX:152,345,625, C>T on the plus strand (G>A on the coding strand, the complement: GABRA3 is on the minus strand). VCF-style: chrX-152345625-C-T. GRCh37 (hg19) VCF-style: chrX-151514097-C-T.
Other names: short protein forms R73H.
Identifiers: ClinVar variation 5008264 (VCV005008264.1).